The following is an entry in ClinVar:

ClinVar aggregate classification (germline): Pathogenic. Review status: criteria provided, multiple submitters, no conflicts (2 of 4 stars). 4 submissions from 4 submitters: Pathogenic (3). 1 of the submissions does not count toward it. Last evaluated 2025-03-07.

Conditions:
Polycystic kidney disease 2 (PKD2). Also called: Polycystic Kidney Disease 2, Autosomal Dominant; POLYCYSTIC KIDNEY DISEASE, ADULT, TYPE II; POLYCYSTIC KIDNEY DISEASE 2 WITH OR WITHOUT POLYCYSTIC LIVER DISEASE. Identifiers: MedGen C2751306, MONDO:0013131, OMIM 613095.
Polycystic kidney disease. Also called: Kidney, Polycystic; Polycystic kidney dysplasia. Identifiers: MedGen C0022680, MeSH D007690, MONDO:0020642, HP:0000113.
PKD2-related disorder. Also called: PKD2-related condition.

Submissions (4):

GeneDx
Classification: Pathogenic. Last evaluated: 2025-03-07. Review status: criteria provided, single submitter. Criteria: GeneDx Variant Classification Process June 2021. Collection method: clinical testing. Allele origin: germline. Affected: yes.
Comment: Nonsense variant predicted to result in protein truncation or nonsense mediated decay in a gene for which loss of function is a known mechanism of disease; Not observed at significant frequency in large population cohorts (gnomAD); This variant is associated with the following publications: (PMID: 28600779, 18077784)

Blueprint Genetics
Classification: Pathogenic for PKD2-related disorders. Last evaluated: 2024-03-26. Review status: criteria provided, single submitter. Criteria: ACMG Guidelines, 2015. Collection method: clinical testing. Allele origin: germline. Affected: yes. Observed: 5 variant alleles.

Fulgent Genetics
Classification: Pathogenic for Polycystic kidney disease 2. Last evaluated: 2022-01-19. Review status: criteria provided, single submitter. Criteria: ACMG Guidelines, 2015. Collection method: clinical testing. Allele origin: unknown.

Department of Pathology and Laboratory Medicine, Sinai Health System
Classification: Pathogenic for Polycystic Kidney disease. Review status: no assertion criteria provided. Collection method: clinical testing. Allele origin: unknown. Affected: yes. Study: The Canadian Open Genetics Repository (COGR). Not counted in ClinVar's aggregate classification.
Comment: The PKD2 p.Trp189* variant was identified in 3 of 450 proband chromosomes (frequency: 0.007) from individuals or families with ADPKD (Hwang 2016, Zhao 2008). The variant was also identified in LOVD 3.0 (1x) and ADPKD Mutation Database (as definitely pathogenic). The variant was not identified in dbSNP, ClinVar, PKD1-LOVD, the Exome Aggregation Consortium (August 8th 2016) or the Genome Aggregation Database (Feb 27, 2017). The p.Trp189* variant leads to a premature stop codon at position 189, which is predicted to lead to a truncated or absent protein and loss of function. Loss of function variants of the PKD2 gene are an established mechanism of disease in autosomal dominant polycystic kidney disease and is the type of variant expected to cause the disorder. In summary, based on the above information, this variant meets our laboratoryâ€šÃ„Ã´s criteria to be classified as pathogenic.

NM_000297.4(PKD2):c.567G>A (p.Trp189Ter)

Genes: PKD2 (polycystin 2, transient receptor potential cation channel; plus strand), LOC129992813 (ATAC-STARR-seq lymphoblastoid silent region 15559; plus strand). Cytogenetic location: 4q22.1.
Variant type: single nucleotide variant.
Coding change: c.567G>A on transcript NM_000297.4 (MANE Select); coding-DNA position 567, G replaced by A.
Protein change: p.Trp189Ter; replaces tryptophan 189 with a stop codon.
Molecular consequence: nonsense. On other transcripts: non-coding transcript variant (1).
Genome position (GRCh38, 1-based): chr4:88,008,300, G>A. VCF-style: chr4-88008300-G-A. GRCh37 (hg19) VCF-style: chr4-88929452-G-A.
Other names: c.567G>A (NM_000297.3); short protein forms W189*.
Identifiers: ClinVar variation 997216 (VCV000997216.5), dbSNP rs1163840810, ClinGen allele CA357627161.